The following is an entry in ClinVar:

NM_000548.5(TSC2):c.139-11TC[3]

Gene: TSC2 (TSC complex subunit 2; plus strand). Cytogenetic location: 16p13.3.
Variant type: Microsatellite.
Coding change: c.139-11TC[3] on transcript NM_000548.5 (MANE Select); three copies in a row of the 2-base unit TC starting at c.139-11; the reference has four copies in a row; one copy, 2 bases deleted.
Molecular consequence: intron variant.
Genome position (GRCh38, 1-based): chr16:2,050,395-2,050,396, TC deleted; deleting any 2 consecutive bases within chr16:2,050,389-2,050,396 gives the same sequence; the position shown is the placement nearest the transcript's 3' end. VCF-style (leftmost placement, unchanged base first): chr16-2050388-ATC-A. GRCh37 (hg19) VCF-style: chr16-2100389-ATC-A.
Other names: c.139-5_139-4delTC (NM_000548.3); c.-1599-11TC[3] (NM_001406693.1); c.139-11TC[3] (NM_001406667.1, NM_001406668.1, NM_001114382.3 and 13 more transcripts); c.-678-11TC[3] (NM_001406680.1, NM_001406683.1, NM_001406687.1); c.-1293-11TC[3] (NM_001406689.1, NM_001406690.1, NM_001406692.1 and 2 more transcripts); c.-1469-11TC[3] (NM_001406698.1); c.-1174-11TC[3] (NM_001406694.1, NM_001406695.1); c.-1281-11TC[3] (NM_001406696.1); and 4 more.
Identifiers: ClinVar variation 3022186 (VCV003022186.5), dbSNP rs758181221, ClinGen allele CA620372774.

ClinVar aggregate classification (germline): Conflicting classifications of pathogenicity. Review status: criteria provided, conflicting classifications (1 of 4 stars). 3 submissions from 3 submitters: Uncertain significance (1); Likely benign (2). Last evaluated 2025-06-25.

Conditions:
Tuberous sclerosis syndrome (TSC). Also called: Tuberous sclerosis; Tuberous Sclerosis Complex. Identifiers: Orphanet 805, MedGen C0041341, MONDO:0001734.
Tuberous sclerosis 2 (TSC2). Identifiers: Orphanet 805, MedGen C1860707, MONDO:0013199, OMIM 613254.
Hereditary cancer-predisposing syndrome. Also called: Hereditary Cancer Syndrome; Tumor predisposition; Hereditary neoplastic syndrome; Neoplastic Syndromes, Hereditary. Identifiers: Orphanet 140162, MedGen C0027672, MeSH D009386, MONDO:0015356.

Submissions (3):

Labcorp Genetics (formerly Invitae), Labcorp
Classification: Likely benign for Tuberous sclerosis 2. Last evaluated: 2025-06-25. Review status: criteria provided, single submitter. Criteria: Invitae Variant Classification Sherloc (09022015). Collection method: clinical testing. Allele origin: germline.

Ambry Genetics
Classification: Likely benign for Hereditary cancer-predisposing syndrome. Last evaluated: 2024-11-15. Review status: criteria provided, single submitter. Criteria: Ambry Variant Classification Scheme 2023. Collection method: clinical testing. Allele origin: germline.

All of Us Research Program, National Institutes of Health
Classification: Uncertain significance for Tuberous sclerosis syndrome. Last evaluated: 2023-11-02. Review status: criteria provided, single submitter. Criteria: ACMG Guidelines, 2015. Collection method: clinical testing. Allele origin: germline. Inheritance: Autosomal dominant inheritance. Observed: 1 variant allele, 1 heterozygote.
Comment: This variant causes a deletion of two nucleotides at positions -4 to -5 in intron 2 of the TSC2 gene. To our knowledge, functional studies have not been reported for this variant. This variant has not been reported in individuals affected with TSC2-related disorders in the literature. This variant has been identified in 1/250822 chromosomes in the general population by the Genome Aggregation Database (gnomAD). The available evidence is insufficient to determine the role of this variant in disease conclusively. Therefore, this variant is classified as a Variant of Uncertain Significance.

This study involves interpretation of variants in research participants for the purpose of population health screening. Participant phenotype was not available at the time of variant classification. Additional details can be found in publication PMID: 35346344, PMCID: PMC8962531